The following is an entry in ClinVar:

NM_004621.6(TRPC6):c.1195C>G (p.Arg399Gly)

Gene: TRPC6 (transient receptor potential cation channel subfamily C member 6; minus strand). Cytogenetic location: 11q22.1.
Variant type: single nucleotide variant.
Coding change: c.1195C>G on transcript NM_004621.6 (MANE Select); coding-DNA position 1195, C replaced by G.
Protein change: p.Arg399Gly; replaces arginine 399 with glycine.
Molecular consequence: missense variant. On other transcripts: intron variant (1).
Genome position (GRCh38, 1-based): chr11:101,489,035, G>C on the plus strand (C>G on the coding strand, the complement: TRPC6 is on the minus strand). VCF-style: chr11-101489035-G-C. GRCh37 (hg19) VCF-style: chr11-101359766-G-C.
Other names: c.946-5870C>G (NM_001439335.1); short protein forms R399G.
Identifiers: ClinVar variation 4540443 (VCV004540443.1).

ClinVar aggregate classification (germline): Uncertain significance (1 of 4 stars; one submission).

Conditions:
Focal segmental glomerulosclerosis 2 (FSGS2). Identifiers: Orphanet 656, MedGen C1858915, MONDO:0011390, OMIM 603965.

gnomAD v4.1: 1 of 1,614,162 alleles (0.000062%); highest among the groups gnomAD compares: Non-Finnish European, 0.000085%; no homozygotes.

Submission:

MVZ Medizinische Genetik Mainz
Classification: Uncertain significance for Focal segmental glomerulosclerosis 2. Last evaluated: 2025-12-09. Review status: criteria provided, single submitter. Criteria: UK Practice Guidelines For Variant Classification V4 01 2020. Collection method: clinical testing. Allele origin: germline. Inheritance: Autosomal dominant inheritance. Affected: yes. Observed: 1 variant allele.
Comment: ACMG Criteria: PM2_SUP,PP3